The following is an entry in ClinVar:

ClinVar aggregate classification (germline): Uncertain significance. Review status: criteria provided, multiple submitters, no conflicts (2 of 4 stars). 2 submissions from 2 submitters: Uncertain significance (2). Last evaluated 2023-09-01.

Conditions:
Hereditary cancer-predisposing syndrome. Also called: Hereditary Cancer Syndrome; Hereditary neoplastic syndrome; Neoplastic Syndromes, Hereditary; Tumor predisposition. Identifiers: Orphanet 140162, MedGen C0027672, MeSH D009386, MONDO:0015356.
Familial adenomatous polyposis 1 (FAP1). Also called: FAMILIAL ADENOMATOUS POLYPOSIS 1, ATTENUATED; POLYPOSIS, ADENOMATOUS INTESTINAL. Identifiers: MedGen C2713442, MONDO:0021056, OMIM 175100. Disease mechanism: loss of function.

Submissions (2):

Labcorp Genetics (formerly Invitae), Labcorp
Classification: Uncertain significance for Familial adenomatous polyposis 1. Last evaluated: 2023-09-01. Review status: criteria provided, single submitter. Criteria: Invitae Variant Classification Sherloc (09022015). Collection method: clinical testing. Allele origin: germline.
Comment: This sequence change replaces lysine, which is basic and polar, with glutamic acid, which is acidic and polar, at codon 2297 of the APC protein (p.Lys2297Glu). This variant is not present in population databases (gnomAD no frequency). This variant has not been reported in the literature in individuals affected with APC-related conditions. ClinVar contains an entry for this variant (Variation ID: 1692305). Advanced modeling of protein sequence and biophysical properties (such as structural, functional, and spatial information, amino acid conservation, physicochemical variation, residue mobility, and thermodynamic stability) performed at Invitae indicates that this missense variant is not expected to disrupt APC protein function. In summary, the available evidence is currently insufficient to determine the role of this variant in disease. Therefore, it has been classified as a Variant of Uncertain Significance.

Sema4
Classification: Uncertain significance for Hereditary cancer-predisposing syndrome. Last evaluated: 2022-02-04. Review status: criteria provided, single submitter. Criteria: Sema4 Curation Guidelines. Collection method: curation. Allele origin: germline.
Comment: The APC c.6889A>G (p.K2297E) variant has not been reported in the literature to our knowledge. This variant is not reported in the population database Genome Aggregation Database (PMID: 32461654). The variant has not been reported in ClinVar. Functional studies have not been performed, and in silico predictions of the variant's effect on protein function are inconclusive. The evidence is insufficient to meet ACMG/AMP criteria for classifying the variant as benign or pathogenic. Thus, the clinical significance of this variant is currently uncertain.

NM_000038.6(APC):c.6889A>G (p.Lys2297Glu)

Gene: APC (APC regulator of Wnt signaling pathway; plus strand). Cytogenetic location: 5q22.2.
Variant type: single nucleotide variant.
Coding change: c.6889A>G on transcript NM_000038.6 (MANE Select); coding-DNA position 6889, A replaced by G.
Protein change: p.Lys2297Glu; replaces lysine 2297 with glutamic acid.
Molecular consequence: missense variant.
Genome position (GRCh38, 1-based): chr5:112,842,483, A>G. VCF-style: chr5-112842483-A-G. GRCh37 (hg19) VCF-style: chr5-112178180-A-G.
Other names: c.6889A>G, p.Lys2297Glu (NM_001127510.3, NM_001354895.2); c.6835A>G, p.Lys2279Glu (NM_001127511.3); c.6943A>G, p.Lys2315Glu (NM_001354896.2); c.6919A>G, p.Lys2307Glu (NM_001354897.2); c.6814A>G, p.Lys2272Glu (NM_001354898.2); c.6805A>G, p.Lys2269Glu (NM_001354899.2); c.6766A>G, p.Lys2256Glu (NM_001354900.2); c.6712A>G, p.Lys2238Glu (NM_001354901.2); and 5 more; short protein forms K2014E, K2137E, K2171E, K2196E, K2206E, K2238E, K2256E, K2269E.
Identifiers: ClinVar variation 1692305 (VCV001692305.4), dbSNP rs2149975546, ClinGen allele CA16036363.